The following is an entry in ClinVar:

NM_000051.4(ATM):c.5476T>G (p.Leu1826Val)

Gene: ATM (ATM serine/threonine kinase; plus strand). Cytogenetic location: 11q22.3.
Variant type: single nucleotide variant.
Coding change: c.5476T>G on transcript NM_000051.4 (MANE Select); coding-DNA position 5476, T replaced by G.
Protein change: p.Leu1826Val; replaces leucine 1826 with valine.
Molecular consequence: missense variant.
Genome position (GRCh38, 1-based): chr11:108,303,009, T>G. VCF-style: chr11-108303009-T-G. GRCh37 (hg19) VCF-style: chr11-108173736-T-G.
Other names: c.5476T>G, p.Leu1826Val (NM_001351834.2); short protein forms L1826V.
Identifiers: ClinVar variation 576923 (VCV000576923.13), dbSNP rs1555106563, ClinGen allele CA382544427.

ClinVar aggregate classification (germline): Uncertain significance. Review status: criteria provided, multiple submitters, no conflicts (2 of 4 stars). 3 submissions from 3 submitters: Uncertain significance (3). Last evaluated 2025-07-01.

Conditions:
Hereditary cancer-predisposing syndrome. Also called: Hereditary neoplastic syndrome; Tumor predisposition; Hereditary Cancer Syndrome; Neoplastic Syndromes, Hereditary. Identifiers: Orphanet 140162, MedGen C0027672, MeSH D009386, MONDO:0015356.
Ataxia-telangiectasia syndrome (AT). Also called: Cerebello-oculocutaneous telangiectasia; Immunodeficiency with ataxia telangiectasia; Ataxia telangiectasia (A-T); Ataxia-telangiectasia, complementation group E; LOUIS-BAR SYNDROME; Ataxia-telangiectasia. Identifiers: Orphanet 100, MedGen C0004135, MONDO:0008840, OMIM 208900.

Submissions (3):

Labcorp Genetics (formerly Invitae), Labcorp
Classification: Uncertain significance for Ataxia-telangiectasia syndrome. Last evaluated: 2025-07-01. Review status: criteria provided, single submitter. Criteria: Invitae Variant Classification Sherloc (09022015). Collection method: clinical testing. Allele origin: germline.
Comment: This sequence change replaces leucine, which is neutral and non-polar, with valine, which is neutral and non-polar, at codon 1826 of the ATM protein (p.Leu1826Val). This variant is not present in population databases (gnomAD no frequency). This variant has not been reported in the literature in individuals affected with ATM-related conditions. ClinVar contains an entry for this variant (Variation ID: 576923). Invitae Evidence Modeling of protein sequence and biophysical properties (such as structural, functional, and spatial information, amino acid conservation, physicochemical variation, residue mobility, and thermodynamic stability) indicates that this missense variant is not expected to disrupt ATM protein function with a negative predictive value of 95%. In summary, the available evidence is currently insufficient to determine the role of this variant in disease. Therefore, it has been classified as a Variant of Uncertain Significance.

Ambry Genetics
Classification: Uncertain significance for Hereditary cancer-predisposing syndrome. Last evaluated: 2025-01-03. Review status: criteria provided, single submitter. Criteria: Ambry Variant Classification Scheme 2023. Collection method: clinical testing. Allele origin: germline.
Comment: The p.L1826V variant (also known as c.5476T>G), located in coding exon 35 of the ATM gene, results from a T to G substitution at nucleotide position 5476. The leucine at codon 1826 is replaced by valine, an amino acid with highly similar properties. This alteration was detected in 1/5589 German BRCA1/2-negative probands with breast cancer (Hauke J et al. Cancer Med, 2018 04;7:1349-1358). This amino acid position is highly conserved in available vertebrate species. In addition, this alteration is predicted to be tolerated by in silico analysis. Based on the available evidence, the clinical significance of this variant remains unclear.

Color Diagnostics, LLC DBA Color Health
Classification: Uncertain significance for Hereditary cancer-predisposing syndrome. Last evaluated: 2022-08-15. Review status: criteria provided, single submitter. Criteria: ACMG Guidelines, 2015. Collection method: clinical testing. Allele origin: germline.
Comment: This missense variant replaces leucine with valine at codon 1826 of the ATM protein. Computational prediction suggests that this variant may not impact protein structure and function (internally defined REVEL score threshold <= 0.5, PMID: 27666373). To our knowledge, functional studies have not been reported for this variant. This variant has not been reported in individuals affected with hereditary cancer in the literature. This variant has not been identified in the general population by the Genome Aggregation Database (gnomAD). The available evidence is insufficient to determine the role of this variant in disease conclusively. Therefore, this variant is classified as a Variant of Uncertain Significance.

Literature cited by the submitters: PubMed 29522266 (cited by Ambry Genetics).